The following is an entry in ClinVar:

NM_000090.4(COL3A1):c.122A>T (p.Asp41Val)

Gene: COL3A1 (collagen type III alpha 1 chain; plus strand). Cytogenetic location: 2q32.2.
Variant type: single nucleotide variant.
Coding change: c.122A>T on transcript NM_000090.4 (MANE Select); coding-DNA position 122, A replaced by T.
Protein change: p.Asp41Val; replaces aspartic acid 41 with valine.
Molecular consequence: missense variant.
Genome position (GRCh38, 1-based): chr2:188,984,802, A>T. VCF-style: chr2-188984802-A-T. GRCh37 (hg19) VCF-style: chr2-189849528-A-T.
Other names: short protein forms D41V.
Identifiers: ClinVar variation 4757830 (VCV004757830.1).
Genomic context (GRCh38, chr2:188,984,802, plus strand): 5'-ATCTAACTTGTTTTTCAGCTGTTGAAGGAGGATGTTCCCATCTTGGTCAGTCCTATGCGG[A>T]TAGAGATGTCTGGAAGCCAGAACCATGCCAAATATGTGTCTGTGACTCAGGATCCGTTCT-3'
Protein context (NP_000081.2, residues 31-51): GCSHLGQSYA[Asp41Val]RDVWKPEPCQ

ClinVar aggregate classification (germline): Uncertain significance (1 of 4 stars; one submission).

Conditions:
Familial thoracic aortic aneurysm and aortic dissection (TAAD). Also called: Thoracic aortic aneurysms and dissections. Identifiers: Orphanet 91387, MedGen C4707243, MONDO:0019625.

gnomAD v4.1: 14 of 1,613,126 alleles (0.00087%); highest among the groups gnomAD compares: Non-Finnish European, 0.0012%; no homozygotes.

Submission:

Color Diagnostics, LLC DBA Color Health
Classification: Uncertain significance for Familial thoracic aortic aneurysm and aortic dissection. Last evaluated: 2025-08-30. Review status: criteria provided, single submitter. Criteria: ACMG Guidelines, 2015. Collection method: clinical testing. Allele origin: germline.
Comment: This missense variant replaces aspartic acid with valine at codon 41 of the COL3A1 protein. Computational prediction suggests that this variant may not impact protein structure and function. To our knowledge, functional studies have not been reported for this variant. This variant has not been reported in individuals affected with COL3A1-related disorders in the literature. This variant has not been identified in the general population by the Genome Aggregation Database (gnomAD). The available evidence is insufficient to determine the role of this variant in disease conclusively. Therefore, this variant is classified as a Variant of Uncertain Significance.